The following is an entry in ClinVar:

ClinVar aggregate classification (germline): Conflicting classifications of pathogenicity. Review status: criteria provided, conflicting classifications (1 of 4 stars). 2 submissions from 2 submitters: Uncertain significance (1); Likely benign (1). Last evaluated 2024-08-28.

Conditions:
Cardiovascular phenotype. Identifiers: MedGen CN230736.

Allele frequency attached by ClinVar (database versions not stated): gnomAD exomes below 0.00001; gnomAD 0.00001; TOPMed 0.00001.
gnomAD v4.1: 5 of 1,549,592 alleles (0.00032%); highest among the groups gnomAD compares: Non-Finnish European, 0.00044%; no homozygotes.

Submissions (2):

Ambry Genetics
Classification: Likely benign for Cardiovascular phenotype. Last evaluated: 2024-08-28. Review status: criteria provided, single submitter. Criteria: Ambry Variant Classification Scheme 2023. Collection method: clinical testing. Allele origin: germline.

Labcorp Genetics (formerly Invitae), Labcorp
Classification: Uncertain significance. Last evaluated: 2022-09-01. Review status: criteria provided, single submitter. Criteria: Invitae Variant Classification Sherloc (09022015). Collection method: clinical testing. Allele origin: germline.
Comment: This sequence change replaces aspartic acid, which is acidic and polar, with asparagine, which is neutral and polar, at codon 291 of the ZNF469 protein (p.Asp291Asn). This variant is present in population databases (no rsID available, gnomAD 0.007%). This variant has not been reported in the literature in individuals affected with ZNF469-related conditions. ClinVar contains an entry for this variant (Variation ID: 1508252). Algorithms developed to predict the effect of missense changes on protein structure and function output the following: SIFT: "Tolerated"; PolyPhen-2: "Benign"; Align-GVGD: "Class C0". The asparagine amino acid residue is found in multiple mammalian species, which suggests that this missense change does not adversely affect protein function. In summary, the available evidence is currently insufficient to determine the role of this variant in disease. Therefore, it has been classified as a Variant of Uncertain Significance.

NM_001367624.2(ZNF469):c.871G>A (p.Asp291Asn)

Gene: ZNF469 (zinc finger protein 469; plus strand). Cytogenetic location: 16q24.2.
Variant type: single nucleotide variant.
Coding change: c.871G>A on transcript NM_001367624.2 (MANE Select); coding-DNA position 871, G replaced by A.
Protein change: p.Asp291Asn; replaces aspartic acid 291 with asparagine.
Molecular consequence: missense variant.
Genome position (GRCh38, 1-based): chr16:88,428,341, G>A. VCF-style: chr16-88428341-G-A. GRCh37 (hg19) VCF-style: chr16-88494749-G-A.
Other names: NM_001127464.1:c.871G>A; short protein forms D291N.
Identifiers: ClinVar variation 1508252 (VCV001508252.4), dbSNP rs896587785, ClinGen allele CA286372213.